The following is an entry in ClinVar:

NM_001142966.3(GREB1L):c.2182+7_2182+8delinsTC

Gene: GREB1L (GREB1 like retinoic acid receptor coactivator; plus strand). Cytogenetic location: 18q11.1.
Variant type: Indel.
Coding change: c.2182+7_2182+8delinsTC on transcript NM_001142966.3 (MANE Select); bases 7 to 8 of the intron after coding-DNA position 2182, GT replaced by TC.
Molecular consequence: intron variant.
Genome position (GRCh38, 1-based): chr18:21,454,570-21,454,571, GT replaced by TC. VCF-style: chr18-21454570-GT-TC. GRCh37 (hg19) VCF-style: chr18-19034531-GT-TC.
Other names: c.2311+7_2311+8delinsTC (NM_001410867.1); c.1855+7_1855+8delinsTC (NM_001410868.1).
Identifiers: ClinVar variation 4724825 (VCV004724825.1).

ClinVar aggregate classification (germline): Uncertain significance (1 of 4 stars; one submission).

Submission:

Labcorp Genetics (formerly Invitae), Labcorp
Classification: Uncertain significance. Last evaluated: 2025-08-04. Review status: criteria provided, single submitter. Criteria: Invitae Variant Classification Sherloc (09022015). Collection method: clinical testing. Allele origin: germline.
Comment: This sequence change falls in intron 15 of the GREB1L gene. It does not directly change the encoded amino acid sequence of the GREB1L protein. Information on the frequency of this variant in the gnomAD database is not available, as this variant may be reported differently in the database. This variant has not been reported in the literature in individuals affected with GREB1L-related conditions. Experimental studies and prediction algorithms are not available or were not evaluated, and the effect of this variant on mRNA splicing is currently unknown. In summary, the available evidence is currently insufficient to determine the role of this variant in disease. Therefore, it has been classified as a Variant of Uncertain Significance.